The following is an entry in ClinVar:

ClinVar aggregate classification (germline): Uncertain significance (1 of 4 stars; one submission).

Conditions:
Catecholaminergic polymorphic ventricular tachycardia 1. Also called: VENTRICULAR TACHYCARDIA, STRESS-INDUCED POLYMORPHIC 1; VENTRICULAR TACHYCARDIA, CATECHOLAMINERGIC POLYMORPHIC, 1, WITH OR WITHOUT ATRIAL DYSFUNCTION AND/OR DILATED CARDIOMYOPATHY; RYR2-Related Catecholaminergic Polymorphic Ventricular Tachycardia. Identifiers: Orphanet 3286, MedGen C1631597, MONDO:0011484, OMIM 604772.

Submission:

Labcorp Genetics (formerly Invitae), Labcorp
Classification: Uncertain significance for Catecholaminergic polymorphic ventricular tachycardia 1. Last evaluated: 2024-06-25. Review status: criteria provided, single submitter. Criteria: Invitae Variant Classification Sherloc (09022015). Collection method: clinical testing. Allele origin: germline.
Comment: This sequence change replaces serine, which is neutral and polar, with glycine, which is neutral and non-polar, at codon 3145 of the RYR2 protein (p.Ser3145Gly). This variant is not present in population databases (gnomAD no frequency). This variant has not been reported in the literature in individuals affected with RYR2-related conditions. Advanced modeling of protein sequence and biophysical properties (such as structural, functional, and spatial information, amino acid conservation, physicochemical variation, residue mobility, and thermodynamic stability) performed at Invitae indicates that this missense variant is not expected to disrupt RYR2 protein function with a negative predictive value of 95%. Algorithms developed to predict the effect of sequence changes on RNA splicing suggest that this variant may disrupt the consensus splice site. In summary, the available evidence is currently insufficient to determine the role of this variant in disease. Therefore, it has been classified as a Variant of Uncertain Significance.

NM_001035.3(RYR2):c.9433A>G (p.Ser3145Gly)

Gene: RYR2 (ryanodine receptor 2; plus strand). Cytogenetic location: 1q43.
Variant type: single nucleotide variant.
Coding change: c.9433A>G on transcript NM_001035.3 (MANE Select); coding-DNA position 9433, A replaced by G.
Protein change: p.Ser3145Gly; replaces serine 3145 with glycine.
Molecular consequence: missense variant.
Genome position (GRCh38, 1-based): chr1:237,702,043, A>G. VCF-style: chr1-237702043-A-G. GRCh37 (hg19) VCF-style: chr1-237865343-A-G.
Other names: short protein forms S3145G.
Identifiers: ClinVar variation 3683327 (VCV003683327.2).